The following is an entry in ClinVar:

NM_003823.4(TNFRSF6B):c.347G>A (p.Arg116His)

Genes: RTEL1-TNFRSF6B (RTEL1-TNFRSF6B readthrough (NMD candidate); plus strand), TNFRSF6B (TNF receptor superfamily member 6b; plus strand). Cytogenetic location: 20q13.33.
Variant type: single nucleotide variant.
Coding change: c.347G>A on transcript NM_003823.4 (MANE Select); coding-DNA position 347, G replaced by A.
Protein change: p.Arg116His; replaces arginine 116 with histidine.
Molecular consequence: missense variant. On other transcripts: non-coding transcript variant (1).
Genome position (GRCh38, 1-based): chr20:63,697,114, G>A. VCF-style: chr20-63697114-G-A. GRCh37 (hg19) VCF-style: chr20-62328467-G-A.
Other names: short protein forms R116H.
Identifiers: ClinVar variation 1928691 (VCV001928691.5), dbSNP rs1268242286, ClinGen allele CA409711253.
Genomic context (GRCh38, chr20:63,697,114, plus strand): 5'-GGGAGCGTGAGGAGGAGGCACGGGCTTGCCACGCCACCCACAACCGTGCCTGCCGCTGCC[G>A]CACCGGCTTCTTCGCGCACGCTGGTTTCTGCTTGGAGCACGCATCGTGTCCACCTGGTGC-3'
Protein context (NP_003814.1, residues 106-126): HATHNRACRC[Arg116His]TGFFAHAGFC

ClinVar aggregate classification (germline): Uncertain significance (1 of 4 stars; one submission).

Allele frequency attached by ClinVar (database versions not stated): gnomAD 0.00001.

Submission:

Labcorp Genetics (formerly Invitae), Labcorp
Classification: Uncertain significance. Last evaluated: 2024-12-06. Review status: criteria provided, single submitter. Criteria: Invitae Variant Classification Sherloc (09022015). Collection method: clinical testing. Allele origin: germline.
Comment: This sequence change replaces arginine, which is basic and polar, with histidine, which is basic and polar, at codon 116 of the TNFRSF6B protein (p.Arg116His). The frequency data for this variant in the population databases is considered unreliable, as metrics indicate poor data quality at this position in the gnomAD database. This variant has not been reported in the literature in individuals affected with TNFRSF6B-related conditions. ClinVar contains an entry for this variant (Variation ID: 1928691). An algorithm developed to predict the effect of missense changes on protein structure and function outputs the following: PolyPhen-2: "Benign". The histidine amino acid residue is found in multiple mammalian species, which suggests that this missense change does not adversely affect protein function. In summary, the available evidence is currently insufficient to determine the role of this variant in disease. Therefore, it has been classified as a Variant of Uncertain Significance.